The following is an entry in ClinVar:

NM_005612.5(REST):c.2720C>G (p.Pro907Arg)

Gene: REST (RE1 silencing transcription factor; plus strand). Cytogenetic location: 4q12.
Variant type: single nucleotide variant.
Coding change: c.2720C>G on transcript NM_005612.5 (MANE Select); coding-DNA position 2720, C replaced by G.
Protein change: p.Pro907Arg; replaces proline 907 with arginine.
Molecular consequence: missense variant.
Genome position (GRCh38, 1-based): chr4:56,931,578, C>G. VCF-style: chr4-56931578-C-G. GRCh37 (hg19) VCF-style: chr4-57797744-C-G.
Other names: c.2720C>G, p.Pro907Arg (NM_001193508.2, NM_001363453.3); short protein forms P907R.
Identifiers: ClinVar variation 1910850 (VCV001910850.5), dbSNP rs1037391182, ClinGen allele CA97637325.

ClinVar aggregate classification (germline): Uncertain significance (1 of 4 stars; one submission).

gnomAD v4.1: 2 of 1,614,226 alleles (0.00012%); highest among the groups gnomAD compares: Non-Finnish European, 0.00017%; no homozygotes.

Submission:

Labcorp Genetics (formerly Invitae), Labcorp
Classification: Uncertain significance. Last evaluated: 2022-04-19. Review status: criteria provided, single submitter. Criteria: Invitae Variant Classification Sherloc (09022015). Collection method: clinical testing. Allele origin: germline.
Comment: In summary, the available evidence is currently insufficient to determine the role of this variant in disease. Therefore, it has been classified as a Variant of Uncertain Significance. Algorithms developed to predict the effect of missense changes on protein structure and function (SIFT, PolyPhen-2, Align-GVGD) all suggest that this variant is likely to be tolerated. This variant has not been reported in the literature in individuals affected with REST-related conditions. This variant is not present in population databases (gnomAD no frequency). This sequence change replaces proline, which is neutral and non-polar, with arginine, which is basic and polar, at codon 907 of the REST protein (p.Pro907Arg).